The following is an entry in ClinVar:

NM_001130144.3(LTBP3):c.4C>T (p.Pro2Ser)

Gene: LTBP3 (latent transforming growth factor beta binding protein 3; minus strand). Cytogenetic location: 11q13.1.
Variant type: single nucleotide variant.
Coding change: c.4C>T on transcript NM_001130144.3 (MANE Select); coding-DNA position 4, C replaced by T.
Protein change: p.Pro2Ser; replaces proline 2 with serine.
Molecular consequence: missense variant. On other transcripts: 5 prime UTR variant (1).
Genome position (GRCh38, 1-based): chr11:65,557,956, G>A on the plus strand (C>T on the coding strand, the complement: LTBP3 is on the minus strand). VCF-style: chr11-65557956-G-A. GRCh37 (hg19) VCF-style: chr11-65325427-G-A.
Other names: c.-344C>T (NM_001164266.1); c.4C>T, p.Pro2Ser (NM_021070.4); short protein forms P2S.
Identifiers: ClinVar variation 2995277 (VCV002995277.3), dbSNP rs2496188014, ClinGen allele CA381278892.

ClinVar aggregate classification (germline): Uncertain significance (1 of 4 stars; one submission).

Conditions:
Brachyolmia-amelogenesis imperfecta syndrome. Also called: Tooth agenesis, selective, 6; Dental anomalies and short stature; PLATYSPONDYLY WITH AMELOGENESIS IMPERFECTA. Identifiers: Orphanet 2899, MedGen C1832594, MONDO:0011018, OMIM 601216. Disease mechanism: loss of function.

Allele frequency attached by ClinVar (database versions not stated): gnomAD exomes below 0.00001.
gnomAD v4.1: 2 of 1,162,178 alleles (0.00017%); highest among the groups gnomAD compares: Non-Finnish European, 0.00021%; no homozygotes.

Submission:

Labcorp Genetics (formerly Invitae), Labcorp
Classification: Uncertain significance for Brachyolmia-amelogenesis imperfecta syndrome. Last evaluated: 2023-09-11. Review status: criteria provided, single submitter. Criteria: Invitae Variant Classification Sherloc (09022015). Collection method: clinical testing. Allele origin: germline.
Comment: This sequence change replaces proline, which is neutral and non-polar, with serine, which is neutral and polar, at codon 2 of the LTBP3 protein (p.Pro2Ser). In summary, the available evidence is currently insufficient to determine the role of this variant in disease. Therefore, it has been classified as a Variant of Uncertain Significance. Experimental studies and prediction algorithms are not available or were not evaluated, and the functional significance of this variant is currently unknown. This variant has not been reported in the literature in individuals affected with LTBP3-related conditions. This variant is not present in population databases (gnomAD no frequency).